The following is an entry in ClinVar:

ClinVar aggregate classification (germline): Likely benign (0 of 4 stars; one submission).

Conditions:
DYRK1B-related disorder. Also called: DYRK1B-related condition.

Submission:

PreventionGenetics, part of Exact Sciences
Classification: Likely benign for DYRK1B-related condition. Last evaluated: 2022-10-26. Review status: no assertion criteria provided. Collection method: clinical testing. Allele origin: germline.
Comment: This variant is classified as likely benign based on ACMG/AMP sequence variant interpretation guidelines (Richards et al. 2015 PMID: 25741868, with internal and published modifications).

NM_004714.3(DYRK1B):c.501G>A (p.Thr167=)

Gene: DYRK1B (dual specificity tyrosine phosphorylation regulated kinase 1B; minus strand). Cytogenetic location: 19q13.2.
Variant type: single nucleotide variant.
Coding change: c.501G>A on transcript NM_004714.3 (MANE Select); coding-DNA position 501, G replaced by A.
Protein change: p.Thr167=; no amino-acid change (threonine 167 retained).
Molecular consequence: synonymous variant.
Genome position (GRCh38, 1-based): chr19:39,829,899, C>T on the plus strand (G>A on the coding strand, the complement: DYRK1B is on the minus strand). VCF-style: chr19-39829899-C-T. GRCh37 (hg19) VCF-style: chr19-40320539-C-T.
Other names: c.501G>A, p.Thr167= (NM_006483.3, NM_006484.3).
Identifiers: ClinVar variation 3352601 (VCV003352601.1).
Genomic context (GRCh38, chr19:39,829,899, plus strand): 5'-CTATCCCAGGTGCCCACAGCCCTGCCAGTCCCAGGCCTCACCTATATAGTACTTCATCTC[C>T]GTGTCATGCTGGTTCATCAGCTCCAGCAGCCGCAGCTCAATCTGGGCCTGGTTCAGGAAA-3'
Protein context (NP_004705.1, residues 157-177): RLLELMNQHD[Thr167=]EMKYYIVHLK